The following is an entry in ClinVar:

ClinVar aggregate classification (germline): Conflicting classifications of pathogenicity. Review status: criteria provided, conflicting classifications (1 of 4 stars). 9 submissions from 9 submitters: Uncertain significance (1); Benign (4); Likely benign (4). Last evaluated 2026-01-24.

Conditions:
Isolated Nonsyndromic Congenital Heart Disease.
JAG1-related disorder. Also called: JAG1-related condition; JAG1-related disorders.
Cardiovascular phenotype. Identifiers: MedGen CN230736.
Alagille syndrome due to a JAG1 point mutation. Also called: JAG1-Related Alagille Syndrome; Alagille Syndrome 1; HEPATIC DUCTULAR HYPOPLASIA, SYNDROMATIC. Identifiers: Orphanet 261619, Orphanet 52, MedGen C1956125, MONDO:0016862, OMIM 118450.

Allele frequency attached by ClinVar (database versions not stated): ESP Exome Variant Server 0.00008; TOPMed 0.00018; ExAC 0.00031; gnomAD exomes 0.00038; 1000 Genomes Project 0.00040; gnomAD 0.00042 and 0.00044; 1000 Genomes Project 30x 0.00062.
gnomAD v4.1: 393 of 1,613,022 alleles (0.024%); highest among the groups gnomAD compares: Admixed American, 0.075%; 2 homozygotes.

Submissions (9):

Labcorp Genetics (formerly Invitae), Labcorp
Classification: Benign for Alagille syndrome due to a JAG1 point mutation. Last evaluated: 2026-01-24. Review status: criteria provided, single submitter. Criteria: Invitae Variant Classification Sherloc (09022015). Collection method: clinical testing. Allele origin: germline.

PreventionGenetics, part of Exact Sciences
Classification: Benign for JAG1-related condition. Last evaluated: 2025-12-04. Review status: criteria provided, single submitter. Criteria: ACMG Guidelines, 2015. Collection method: clinical testing. Allele origin: germline.
Comment: This variant is classified as benign based on ACMG/AMP sequence variant interpretation guidelines (Richards et al. 2015 PMID: 25741868, with internal and published modifications).

Ambry Genetics
Classification: Benign for Cardiovascular phenotype. Last evaluated: 2025-04-16. Review status: criteria provided, single submitter. Criteria: Ambry Variant Classification Scheme 2023. Collection method: clinical testing. Allele origin: germline.

Women's Health and Genetics/Laboratory Corporation of America, LabCorp
Classification: Likely benign. Last evaluated: 2024-06-30. Review status: criteria provided, single submitter. Criteria: LabCorp Variant Classification Summary - May 2015. Collection method: clinical testing. Allele origin: germline.

Blueprint Genetics
Classification: Likely benign. Last evaluated: 2024-04-29. Review status: criteria provided, single submitter. Criteria: ACMG Guidelines, 2015. Collection method: clinical testing. Allele origin: germline.

CeGaT Center for Human Genetics Tuebingen
Classification: Likely benign. Last evaluated: 2024-03-01. Review status: criteria provided, single submitter. Criteria: CeGaT Center For Human Genetics Tuebingen Variant Classification Criteria Version 2. Collection method: clinical testing. Allele origin: germline. Affected: yes. Observed: 2 variant alleles.
Comment: JAG1: BS1

GeneDx
Classification: Likely benign. Last evaluated: 2018-02-01. Review status: criteria provided, single submitter. Criteria: GeneDx Variant Classification (06012015). Collection method: clinical testing. Allele origin: germline. Affected: yes.
Comment: This variant is considered likely benign or benign based on one or more of the following criteria: it is a conservative change, it occurs at a poorly conserved position in the protein, it is predicted to be benign by multiple in silico algorithms, and/or has population frequency not consistent with disease.

Illumina Laboratory Services, Illumina
Classification: Benign for Isolated Nonsyndromic Congenital Heart Disease. Last evaluated: 2018-01-12. Review status: criteria provided, single submitter. Criteria: ICSL Variant Classification Criteria 13 December 2019. Collection method: clinical testing. Allele origin: germline.
Comment: This variant was observed in the ICSL laboratory as part of a predisposition screen in an ostensibly healthy population. It had not been previously curated by ICSL or reported in the Human Gene Mutation Database (HGMD: prior to June 1st, 2018), and was therefore a candidate for classification through an automated scoring system. Utilizing variant allele frequency, disease prevalence and penetrance estimates, and inheritance mode, an automated score was calculated to assess if this variant is too frequent to cause the disease. Based on the score and internal cut-off values, a variant classified as benign is not then subjected to further curation. The score for this variant resulted in a classification of benign for this disease.

Eurofins Ntd Llc (ga)
Classification: Uncertain significance. Last evaluated: 2016-06-28. Review status: criteria provided, single submitter. Criteria: EGL Classification Definitions 2015. Collection method: clinical testing. Allele origin: germline. Observed: 1 variant allele, 1 heterozygote.

NM_000214.3(JAG1):c.2329C>T (p.Pro777Ser)

Gene: JAG1 (jagged canonical Notch ligand 1; minus strand). Cytogenetic location: 20p12.2.
Variant type: single nucleotide variant.
Coding change: c.2329C>T on transcript NM_000214.3 (MANE Select); coding-DNA position 2329, C replaced by T.
Protein change: p.Pro777Ser; replaces proline 777 with serine.
Molecular consequence: missense variant.
Genome position (GRCh38, 1-based): chr20:10,644,878, G>A on the plus strand (C>T on the coding strand, the complement: JAG1 is on the minus strand). VCF-style: chr20-10644878-G-A. GRCh37 (hg19) VCF-style: chr20-10625526-G-A.
Other names: c.2329C>T, p.Pro777Ser (LRG_1191t1); short protein forms P777S.
Identifiers: ClinVar variation 289185 (VCV000289185.44), dbSNP rs202063628, ClinGen allele CA9764557.